The following is an entry in ClinVar:

ClinVar aggregate classification (germline): Uncertain significance (1 of 4 stars; one submission).

Submission:

GeneDx
Classification: Uncertain significance. Last evaluated: 2024-10-22. Review status: criteria provided, single submitter. Criteria: GeneDx Variant Classification Process June 2021. Collection method: clinical testing. Allele origin: germline. Affected: yes.
Comment: Not observed at significant frequency in large population cohorts (gnomAD); In silico analysis indicates that this missense variant does not alter protein structure/function; Has not been previously published as pathogenic or benign to our knowledge

NM_144997.7(FLCN):c.169C>G (p.Arg57Gly)

Gene: FLCN (folliculin; minus strand). Cytogenetic location: 17p11.2.
Variant type: single nucleotide variant.
Coding change: c.169C>G on transcript NM_144997.7 (MANE Select); coding-DNA position 169, C replaced by G.
Protein change: p.Arg57Gly; replaces arginine 57 with glycine.
Molecular consequence: missense variant.
Genome position (GRCh38, 1-based): chr17:17,227,969, G>C on the plus strand (C>G on the coding strand, the complement: FLCN is on the minus strand). VCF-style: chr17-17227969-G-C. GRCh37 (hg19) VCF-style: chr17-17131283-G-C.
Other names: c.169C>G, p.Arg57Gly (NM_001353229.2, NM_001353230.2, NM_001353231.2 and 1 more transcripts); short protein forms R57G.
Identifiers: ClinVar variation 3893532 (VCV003893532.1).